The following is an entry in ClinVar:

NM_006218.4(PIK3CA):c.1433A>T (p.Asp478Val)

Gene: PIK3CA (phosphatidylinositol-4,5-bisphosphate 3-kinase catalytic subunit alpha; plus strand). Cytogenetic location: 3q26.32.
Variant type: single nucleotide variant.
Coding change: c.1433A>T on transcript NM_006218.4 (MANE Select); coding-DNA position 1433, A replaced by T.
Protein change: p.Asp478Val; replaces aspartic acid 478 with valine.
Molecular consequence: missense variant.
Genome position (GRCh38, 1-based): chr3:179,210,459, A>T. VCF-style: chr3-179210459-A-T. GRCh37 (hg19) VCF-style: chr3-178928247-A-T.
Other names: short protein forms D478V.
Identifiers: ClinVar variation 2587509 (VCV002587509.2), dbSNP rs2108401311, ClinGen allele CA355262341.

ClinVar aggregate classification (germline): Uncertain significance (1 of 4 stars; one submission).

Conditions:
Inborn genetic diseases. Identifiers: MedGen C0950123, MeSH D030342.

Submission:

Ambry Genetics
Classification: Uncertain significance for Inborn genetic diseases. Last evaluated: 2023-07-15. Review status: criteria provided, single submitter. Criteria: Ambry Variant Classification Scheme 2023. Collection method: clinical testing. Allele origin: germline.
Comment: The p.D478V variant (also known as c.1433A>T), located in coding exon 8 of the PIK3CA gene, results from an A to T substitution at nucleotide position 1433. The aspartic acid at codon 478 is replaced by valine, an amino acid with highly dissimilar properties. This amino acid position is conserved. In addition, the in silico prediction for this alteration is inconclusive. Since supporting evidence is limited at this time, the clinical significance of this alteration remains unclear.